The following is an entry in ClinVar:

ClinVar aggregate classification (germline): Conflicting classifications of pathogenicity. Review status: criteria provided, conflicting classifications (1 of 4 stars). 7 submissions from 7 submitters: Pathogenic (1); Likely pathogenic (2); Uncertain significance (3). 1 of the submissions does not count toward it. Last evaluated 2026-05-15.

Conditions:
MCCC2-related disorder. Also called: MCCC2-related condition.
Methylcrotonyl-CoA carboxylase deficiency. Also called: 3 Methylcrotonylglycinuria; Deficiency of methylcrotonoyl-CoA carboxylase; 3-MCC Deficiency. Identifiers: Orphanet 6, MedGen C4551505, MONDO:0018950.
3-methylcrotonyl-CoA carboxylase 2 deficiency. Also called: METHYLCROTONYLGLYCINURIA, TYPE II; 3 alpha methylcrotonyl-CoA carboxylase 2 deficiency; 3 alpha methylcrotonylglycinuria 2; MCC 2 deficiency; Methylcrotonylglycinuria type 2. Identifiers: Orphanet 6, MedGen C1859499, MONDO:0008862, OMIM 210210.

Allele frequency attached by ClinVar (database versions not stated): gnomAD exomes 0.00005 and 0.00009; ExAC 0.00010; ESP Exome Variant Server 0.00015; gnomAD 0.00041 and 0.00045; TOPMed 0.00045; 1000 Genomes Project 0.00060; 1000 Genomes Project 30x 0.00062.
gnomAD v4.1: 129 of 1,613,788 alleles (0.008%); highest among the groups gnomAD compares: African/African-American, 0.15%; no homozygotes.

Submissions (7):

Myriad Genetics, Inc.
Classification: Uncertain significance for 3-methylcrotonyl-CoA carboxylase 2 deficiency. Last evaluated: 2026-05-15. Review status: criteria provided, single submitter. Criteria: Myriad Autosomal Dominant, Autosomal Recessive and X-Linked Classification Criteria (2023). Collection method: clinical testing. Allele origin: unknown.
Comment: NM_022132.4(MCCC2):c.995G>A(R332Q) is a missense variant classified as a variant of uncertain significance in the context of 3-methylcrotonyl-CoA carboxylase deficiency, MCCC2-related. R332Q has been observed in a case with relevant disease (PMID: 38146699). Relevant functional assessments of this variant are not available in the literature. R332Q has been observed in referenced population frequency databases. In summary, there is insufficient evidence to classify NM_022132.4(MCCC2):c.995G>A(R332Q) as pathogenic or benign. Please note: this variant was assessed in the context of healthy population screening.

Labcorp Genetics (formerly Invitae), Labcorp
Classification: Pathogenic for 3-methylcrotonyl-CoA carboxylase 2 deficiency. Last evaluated: 2026-01-11. Review status: criteria provided, single submitter. Criteria: Invitae Variant Classification Sherloc (09022015). Collection method: clinical testing. Allele origin: germline.
Comment: This sequence change replaces arginine, which is basic and polar, with glutamine, which is neutral and polar, at codon 332 of the MCCC2 protein (p.Arg332Gln). This variant is present in population databases (rs144203670, gnomAD 0.1%). This missense change has been observed in individual(s) with clinical features of 3-methylcrotonyl-CoA carboxylase deficiency (internal data). In at least one individual the data is consistent with being in trans (on the opposite chromosome) from a pathogenic variant. It has also been observed to segregate with disease in related individuals. ClinVar contains an entry for this variant (Variation ID: 467811). Invitae Evidence Modeling of protein sequence and biophysical properties (such as structural, functional, and spatial information, amino acid conservation, physicochemical variation, residue mobility, and thermodynamic stability) indicates that this missense variant is expected to disrupt MCCC2 protein function with a positive predictive value of 80%. For these reasons, this variant has been classified as Pathogenic.

Women's Health and Genetics/Laboratory Corporation of America, LabCorp
Classification: Likely pathogenic for Methylcrotonyl-CoA carboxylase deficiency. Last evaluated: 2025-08-15. Review status: criteria provided, single submitter. Criteria: LabCorp Variant Classification Summary - May 2015. Collection method: clinical testing. Allele origin: germline.
Comment: Variant summary: MCCC2 c.995G>A (p.Arg332Gln) results in a conservative amino acid change located in the Acetyl-coenzyme A carboxyltransferase, C-terminal domain (IPR011763) of the encoded protein sequence. Algorithms developed to predict the effect of missense changes on protein structure and function are either unavailable or do not agree on the potential impact of this missense change. The variant allele was found at a frequency of 9.1e-05 in 251448 control chromosomes. This frequency is not significantly higher than estimated for a pathogenic variant in MCCC2 causing Methylcrotonyl-CoA Carboxylase Deficiency (9.1e-05 vs 0.0042), allowing no conclusion about variant significance. c.995G>A has been observed in individual(s) affected with Methylcrotonyl-CoA Carboxylase Deficiency (example: Cook_2024, internal data). In at least one of these individuals the variant was found to be carried in trans with a pathogenic variant. These data indicate that the variant may be associated with disease. To our knowledge, no experimental evidence demonstrating an impact on protein function has been reported. The following publication has been ascertained in the context of this evaluation (PMID: 38146699). ClinVar contains an entry for this variant (Variation ID: 467811). Based on the evidence outlined above, the variant was classified as likely pathogenic.

PreventionGenetics, part of Exact Sciences
Classification: Uncertain significance for MCCC2-related condition. Last evaluated: 2025-05-05. Review status: criteria provided, single submitter. Criteria: ACMG Guidelines, 2015. Collection method: clinical testing. Allele origin: germline.
Comment: The MCCC2 c.995G>A variant is predicted to result in the amino acid substitution p.Arg332Gln. This variant was reported along with an MCCC2 variant of uncertain significance in an individual with elevated 3-hydroxyisovaleryl acylcarnitine (C5-OH) on newborn screening (Cook et al. 2024. PubMed ID: 38146699). This variant is reported in 0.14% of alleles in individuals of African descent in gnomAD. We have observed this variant at PreventionGenetics in multiple presumably affected patients. In all of these patients, the c.995G>A variant was found along with a second variant which was either a variant of uncertain significance or a likely pathogenic variant. These observations suggest that the c.995G>A (p.Arg332Gln) variant is possibly pathogenic. However, at this time its clinical significance is uncertain due to the absence of conclusive functional and genetic information.

Fulgent Genetics
Classification: Likely pathogenic for 3-methylcrotonyl-CoA carboxylase 2 deficiency. Last evaluated: 2024-04-13. Review status: criteria provided, single submitter. Criteria: ACMG Guidelines, 2015. Collection method: clinical testing. Allele origin: germline.

GeneDx
Classification: Uncertain significance. Last evaluated: 2019-08-20. Review status: criteria provided, single submitter. Criteria: GeneDx Variant Classification Process June 2021. Collection method: clinical testing. Allele origin: germline. Affected: yes.
Comment: The majority of missense variants in this gene are considered pathogenic (Stenson et al., 2014); In silico analysis, which includes protein predictors and evolutionary conservation, supports a deleterious effect; Has not been previously published as pathogenic or benign to our knowledge

Natera, Inc.
Classification: Uncertain significance for 3-methylcrotonylglycinuria. Last evaluated: 2020-09-16. Review status: no assertion criteria provided. Collection method: clinical testing. Allele origin: germline. Not counted in ClinVar's aggregate classification.

Literature cited by the submitters: PubMed 38146699 (cited by Myriad Genetics, Inc. and Women's Health and Genetics/Laboratory Corporation of America, LabCorp).

NM_022132.5(MCCC2):c.995G>A (p.Arg332Gln)

Gene: MCCC2 (methylcrotonyl-CoA carboxylase subunit 2; plus strand). Cytogenetic location: 5q13.2.
Variant type: single nucleotide variant.
Coding change: c.995G>A on transcript NM_022132.5 (MANE Select); coding-DNA position 995, G replaced by A.
Protein change: p.Arg332Gln; replaces arginine 332 with glutamine.
Molecular consequence: missense variant.
Genome position (GRCh38, 1-based): chr5:71,635,242, G>A. VCF-style: chr5-71635242-G-A. GRCh37 (hg19) VCF-style: chr5-70931069-G-A.
Other names: c.881G>A, p.Arg294Gln (NM_001363147.1); short protein forms R332Q, R294Q.
Identifiers: ClinVar variation 467811 (VCV000467811.18), dbSNP rs144203670, ClinGen allele CA3297946.